The following is an entry in ClinVar:

ClinVar aggregate classification (germline): Likely benign. Review status: criteria provided, multiple submitters, no conflicts (2 of 4 stars). 2 submissions from 2 submitters: Likely benign (2). Last evaluated 2024-12-01.

Conditions:
Inborn genetic diseases. Identifiers: MedGen C0950123, MeSH D030342.

Allele frequency attached by ClinVar (database versions not stated): ExAC 0.00003; TOPMed 0.00003; gnomAD exomes 0.00004; gnomAD 0.00005; ESP Exome Variant Server 0.00016.

Submissions (2):

CeGaT Center for Human Genetics Tuebingen
Classification: Likely benign. Last evaluated: 2024-12-01. Review status: criteria provided, single submitter. Criteria: CeGaT Center For Human Genetics Tuebingen Variant Classification Criteria Version 2. Collection method: clinical testing. Allele origin: germline. Affected: yes. Observed: 1 variant allele.
Comment: SHANK3: BS2

Ambry Genetics
Classification: Likely benign for Inborn genetic diseases. Last evaluated: 2018-06-27. Review status: criteria provided, single submitter. Criteria: Ambry Variant Classification Scheme 2023. Collection method: clinical testing. Allele origin: germline.

NM_001372044.2(SHANK3):c.4088C>T (p.Ala1363Val)

Gene: SHANK3 (SH3 and multiple ankyrin repeat domains 3; plus strand). Cytogenetic location: 22q13.33.
Variant type: single nucleotide variant.
Coding change: c.4088C>T on transcript NM_001372044.2 (MANE Select); coding-DNA position 4088, C replaced by T.
Protein change: p.Ala1363Val; replaces alanine 1363 with valine.
Molecular consequence: missense variant.
Genome position (GRCh38, 1-based): chr22:50,721,696, C>T. VCF-style: chr22-50721696-C-T. GRCh37 (hg19) VCF-style: chr22-51160124-C-T.
Other names: c.3863C>T, p.Ala1288Val (NM_033517.1); short protein forms A1363V, A1288V.
Identifiers: ClinVar variation 1735627 (VCV001735627.15), dbSNP rs376671193, ClinGen allele CA10326160.